The following is an entry in ClinVar:

ClinVar aggregate classification (germline): Uncertain significance (1 of 4 stars; one submission).

Conditions:
Polyglucosan body myopathy type 1 (PGBM1). Also called: Polyglucosan body myopathy 1 with or without immunodeficiency; POLYGLUCOSAN BODY MYOPATHY WITHOUT IMMUNODEFICIENCY. Identifiers: Orphanet 329173, Orphanet 397937, MedGen C4014605, MONDO:0014389, OMIM 615895.

Submission:

Labcorp Genetics (formerly Invitae), Labcorp
Classification: Uncertain significance for Polyglucosan body myopathy type 1. Last evaluated: 2018-12-04. Review status: criteria provided, single submitter. Criteria: Invitae Variant Classification Sherloc (09022015). Collection method: clinical testing. Allele origin: germline.
Comment: Algorithms developed to predict the effect of missense changes on protein structure and function are either unavailable or do not agree on the potential impact of this missense change (SIFT: "Deleterious"; PolyPhen-2: "Possibly Damaging"; Align-GVGD: "Class C0"). In summary, the available evidence is currently insufficient to determine the role of this variant in disease. Therefore, it has been classified as a Variant of Uncertain Significance. This variant has not been reported in the literature in individuals with RBCK1-related conditions. This variant is not present in population databases (ExAC no frequency). This sequence change replaces methionine with isoleucine at codon 434 of the RBCK1 protein (p.Met434Ile). The methionine residue is highly conserved and there is a small physicochemical difference between methionine and isoleucine.

NM_031229.4(RBCK1):c.1302G>T (p.Met434Ile)

Gene: RBCK1 (RANBP2-type and C3HC4-type zinc finger containing 1; plus strand). Cytogenetic location: 20p13.
Variant type: single nucleotide variant.
Coding change: c.1302G>T on transcript NM_031229.4 (MANE Select); coding-DNA position 1302, G replaced by T.
Protein change: p.Met434Ile; replaces methionine 434 with isoleucine.
Molecular consequence: missense variant. On other transcripts: non-coding transcript variant (1).
Genome position (GRCh38, 1-based): chr20:428,583, G>T. VCF-style: chr20-428583-G-T. GRCh37 (hg19) VCF-style: chr20-409227-G-T.
Other names: c.792G>T, p.Met264Ile (NM_001323956.2, NM_001323958.2); c.1176G>T, p.Met392Ile (NM_006462.6); short protein forms M264I, M434I, M392I.
Identifiers: ClinVar variation 662762 (VCV000662762.7), dbSNP rs1600315243, ClinGen allele CA407937568.